The following is an entry in ClinVar:

ClinVar aggregate classification (germline): Uncertain significance. Review status: criteria provided, multiple submitters, no conflicts (2 of 4 stars). 3 submissions from 3 submitters: Uncertain significance (3). Last evaluated 2022-09-24.

Conditions:
Inborn genetic diseases. Identifiers: MedGen C0950123, MeSH D030342.
Mosaic variegated aneuploidy syndrome 1 (MVA1). Also called: Warburton-Anyane-Yeboa syndrome. Identifiers: Orphanet 1052, MedGen C1850343, MONDO:0009759, OMIM 257300.

Allele frequency attached by ClinVar (database versions not stated): gnomAD 0.00001; TOPMed 0.00001.
gnomAD v4.1: 1 of 1,614,070 alleles (0.000062%); highest among the groups gnomAD compares: Non-Finnish European, 0.000085%; no homozygotes.

Submissions (3):

Labcorp Genetics (formerly Invitae), Labcorp
Classification: Uncertain significance for Mosaic variegated aneuploidy syndrome 1. Last evaluated: 2022-09-24. Review status: criteria provided, single submitter. Criteria: Invitae Variant Classification Sherloc (09022015). Collection method: clinical testing. Allele origin: germline.
Comment: This sequence change replaces cysteine, which is neutral and slightly polar, with glycine, which is neutral and non-polar, at codon 609 of the BUB1B protein (p.Cys609Gly). This variant is present in population databases (no rsID available, gnomAD 0.01%). This variant has not been reported in the literature in individuals affected with BUB1B-related conditions. ClinVar contains an entry for this variant (Variation ID: 1326807). Algorithms developed to predict the effect of missense changes on protein structure and function are either unavailable or do not agree on the potential impact of this missense change (SIFT: "Tolerated"; PolyPhen-2: "Probably Damaging"; Align-GVGD: "Class C0"). In summary, the available evidence is currently insufficient to determine the role of this variant in disease. Therefore, it has been classified as a Variant of Uncertain Significance.

Ambry Genetics
Classification: Uncertain significance for Inborn genetic diseases. Last evaluated: 2022-06-11. Review status: criteria provided, single submitter. Criteria: Ambry Variant Classification Scheme 2023. Collection method: clinical testing. Allele origin: germline.
Comment: The p.C609G variant (also known as c.1825T>G), located in coding exon 15 of the BUB1B gene, results from a T to G substitution at nucleotide position 1825. The cysteine at codon 609 is replaced by glycine, an amino acid with highly dissimilar properties. This amino acid position is conserved. In addition, the in silico prediction for this alteration is inconclusive. Since supporting evidence is limited at this time, the clinical significance of this alteration remains unclear.

GeneDx
Classification: Uncertain significance. Last evaluated: 2021-05-27. Review status: criteria provided, single submitter. Criteria: GeneDx Variant Classification Process June 2021. Collection method: clinical testing. Allele origin: germline. Affected: yes.
Comment: In silico analysis supports that this missense variant has a deleterious effect on protein structure/function; Has not been previously published as pathogenic or benign to our knowledge

NM_001211.6(BUB1B):c.1825T>G (p.Cys609Gly)

Gene: BUB1B (BUB1 mitotic checkpoint serine/threonine kinase B; plus strand). Cytogenetic location: 15q15.1.
Variant type: single nucleotide variant.
Coding change: c.1825T>G on transcript NM_001211.6 (MANE Select); coding-DNA position 1825, T replaced by G.
Protein change: p.Cys609Gly; replaces cysteine 609 with glycine.
Molecular consequence: missense variant.
Genome position (GRCh38, 1-based): chr15:40,206,274, T>G. VCF-style: chr15-40206274-T-G. GRCh37 (hg19) VCF-style: chr15-40498475-T-G.
Other names: short protein forms C609G.
Identifiers: ClinVar variation 1326807 (VCV001326807.8), dbSNP rs1217885669, ClinGen allele CA391692474.